The following is an entry in ClinVar:

NM_017635.5(KMT5B):c.1917C>T (p.Asp639=)

Gene: KMT5B (lysine methyltransferase 5B; minus strand). Cytogenetic location: 11q13.2.
Variant type: single nucleotide variant.
Coding change: c.1917C>T on transcript NM_017635.5 (MANE Select); coding-DNA position 1917, C replaced by T.
Protein change: p.Asp639=; no amino-acid change (aspartic acid 639 retained).
Molecular consequence: synonymous variant.
Genome position (GRCh38, 1-based): chr11:68,158,429, G>A on the plus strand (C>T on the coding strand, the complement: KMT5B is on the minus strand). VCF-style: chr11-68158429-G-A. GRCh37 (hg19) VCF-style: chr11-67925896-G-A.
Other names: c.1401C>T, p.Asp467= (NM_001300907.1, NM_001369428.1, NM_001369429.1 and 4 more transcripts); c.1197C>T, p.Asp399= (NM_001300908.2); c.1917C>T, p.Asp639= (NM_001369426.1).
Identifiers: ClinVar variation 4821289 (VCV004821289.4).

ClinVar aggregate classification (germline): Likely benign (1 of 4 stars; one submission).

gnomAD v4.1: 216 of 1,614,098 alleles (0.013%); highest among the groups gnomAD compares: Admixed American, 0.028%; no homozygotes.

Submission:

CeGaT Center for Human Genetics Tuebingen
Classification: Likely benign. Last evaluated: 2026-03-01. Review status: criteria provided, single submitter. Criteria: CeGaT Center For Human Genetics Tuebingen Variant Classification Criteria Version 2. Collection method: clinical testing. Allele origin: germline. Affected: yes. Observed: 1 variant allele.
Comment: KMT5B: BP4, BP7